The following is an entry in ClinVar:

NM_015559.3(SETBP1):c.49T>C (p.Ser17Pro)

Gene: SETBP1 (SET binding protein 1; plus strand). Cytogenetic location: 18q12.3.
Variant type: single nucleotide variant.
Coding change: c.49T>C on transcript NM_015559.3 (MANE Select); coding-DNA position 49, T replaced by C.
Protein change: p.Ser17Pro; replaces serine 17 with proline.
Molecular consequence: missense variant.
Genome position (GRCh38, 1-based): chr18:44,701,395, T>C. VCF-style: chr18-44701395-T-C. GRCh37 (hg19) VCF-style: chr18-42281360-T-C.
Other names: c.49T>C, p.Ser17Pro (NM_001130110.2, NM_001379141.1, NM_001379142.1 and 1 more transcripts); c.49T>C (NM_015559.2); short protein forms S17P.
Identifiers: ClinVar variation 2837895 (VCV002837895.4), dbSNP rs1436724007, ClinGen allele CA402481333.

ClinVar aggregate classification (germline): Uncertain significance. Review status: criteria provided, multiple submitters, no conflicts (2 of 4 stars). 2 submissions from 2 submitters: Uncertain significance (2). Last evaluated 2024-04-20.

Allele frequency attached by ClinVar (database versions not stated): TOPMed below 0.00001; gnomAD 0.00001.
gnomAD v4.1: 3 of 1,557,286 alleles (0.00019%); highest among the groups gnomAD compares: South Asian, 0.0024%; no homozygotes.

Submissions (2):

GeneDx
Classification: Uncertain significance. Last evaluated: 2024-04-20. Review status: criteria provided, single submitter. Criteria: GeneDx Variant Classification Process June 2021. Collection method: clinical testing. Allele origin: germline. Affected: yes.
Comment: Not observed at significant frequency in large population cohorts (gnomAD); In silico analysis indicates that this missense variant does not alter protein structure/function; Has not been previously published as pathogenic or benign to our knowledge

Labcorp Genetics (formerly Invitae), Labcorp
Classification: Uncertain significance. Last evaluated: 2023-02-22. Review status: criteria provided, single submitter. Criteria: Invitae Variant Classification Sherloc (09022015). Collection method: clinical testing. Allele origin: germline.
Comment: This sequence change replaces serine, which is neutral and polar, with proline, which is neutral and non-polar, at codon 17 of the SETBP1 protein (p.Ser17Pro). This variant is not present in population databases (gnomAD no frequency). This variant has not been reported in the literature in individuals affected with SETBP1-related conditions. An algorithm developed to predict the effect of missense changes on protein structure and function (PolyPhen-2) suggests that this variant is likely to be tolerated. In summary, the available evidence is currently insufficient to determine the role of this variant in disease. Therefore, it has been classified as a Variant of Uncertain Significance.